The following is an entry in ClinVar:

NM_031483.7(ITCH):c.694T>G (p.Ser232Ala)

Gene: ITCH (itchy E3 ubiquitin protein ligase; plus strand). Cytogenetic location: 20q11.22.
Variant type: single nucleotide variant.
Coding change: c.694T>G on transcript NM_031483.7 (MANE Select); coding-DNA position 694, T replaced by G.
Protein change: p.Ser232Ala; replaces serine 232 with alanine.
Molecular consequence: missense variant.
Genome position (GRCh38, 1-based): chr20:34,440,169, T>G. VCF-style: chr20-34440169-T-G. GRCh37 (hg19) VCF-style: chr20-33027974-T-G.
Other names: c.817T>G, p.Ser273Ala (NM_001257137.3, NM_001324197.2); c.364T>G, p.Ser122Ala (NM_001257138.3); c.694T>G, p.Ser232Ala (NM_001324198.2); short protein forms S232A, S122A, S273A.
Identifiers: ClinVar variation 538752 (VCV000538752.6), dbSNP rs773997755, ClinGen allele CA9821414.

ClinVar aggregate classification (germline): Uncertain significance (1 of 4 stars; one submission).

Conditions:
Syndromic multisystem autoimmune disease due to ITCH deficiency. Also called: AUTOIMMUNE DISEASE, MULTISYSTEM, WITH FACIAL DYSMORPHISM. Identifiers: Orphanet 228426, MedGen C3150649, MONDO:0013245, OMIM 613385.

Allele frequency attached by ClinVar (database versions not stated): gnomAD exomes below 0.00001 and 0.00001; TOPMed below 0.00001; ExAC 0.00001.
gnomAD v4.1: 3 of 1,612,466 alleles (0.00019%); highest among the groups gnomAD compares: Admixed American, 0.005%; no homozygotes.

Submission:

Labcorp Genetics (formerly Invitae), Labcorp
Classification: Uncertain significance for Syndromic multisystem autoimmune disease due to ITCH deficiency. Last evaluated: 2022-02-12. Review status: criteria provided, single submitter. Criteria: Invitae Variant Classification Sherloc (09022015). Collection method: clinical testing. Allele origin: germline.
Comment: This sequence change replaces serine, which is neutral and polar, with alanine, which is neutral and non-polar, at codon 232 of the ITCH protein (p.Ser232Ala). This variant is present in population databases (rs773997755, gnomAD 0.006%). This variant has not been reported in the literature in individuals affected with ITCH-related conditions. ClinVar contains an entry for this variant (Variation ID: 538752). Algorithms developed to predict the effect of missense changes on protein structure and function are either unavailable or do not agree on the potential impact of this missense change (SIFT: "Not Available"; PolyPhen-2: "Benign"; Align-GVGD: "Not Available"). In summary, the available evidence is currently insufficient to determine the role of this variant in disease. Therefore, it has been classified as a Variant of Uncertain Significance.